The following is an entry in ClinVar:

NM_001004067.4(NOMO3):c.306G>A (p.Pro102=)

Gene: NOMO3 (NODAL modulator 3; plus strand). Cytogenetic location: 16p13.11.
Variant type: single nucleotide variant.
Coding change: c.306G>A on transcript NM_001004067.4 (MANE Select); coding-DNA position 306, G replaced by A.
Protein change: p.Pro102=; no amino-acid change (proline 102 retained).
Molecular consequence: synonymous variant.
Genome position (GRCh38, 1-based): chr16:16,243,165, G>A. VCF-style: chr16-16243165-G-A. GRCh37 (hg19) VCF-style: chr16-16337022-G-A.
Identifiers: ClinVar variation 2646264 (VCV002646264.24), dbSNP rs760610298, ClinGen allele CA7926766.

ClinVar aggregate classification (germline): Likely benign (1 of 4 stars; one submission).

Allele frequency attached by ClinVar (database versions not stated): gnomAD exomes 0.00001; ExAC 0.00015.

Submission:

CeGaT Center for Human Genetics Tuebingen
Classification: Likely benign. Last evaluated: 2022-03-01. Review status: criteria provided, single submitter. Criteria: CeGaT Center For Human Genetics Tuebingen Variant Classification Criteria Version 2. Collection method: clinical testing. Allele origin: germline. Affected: yes. Observed: 1 variant allele.
Comment: NOMO3: BP4, BP7